The following is an entry in ClinVar:

ClinVar aggregate classification (germline): Likely benign. Review status: criteria provided, multiple submitters, no conflicts (2 of 4 stars). 3 submissions from 3 submitters: Likely benign (2). 1 of the submissions does not count toward it. Last evaluated 2025-10-14.

Conditions:
TFAP2A-related disorder. Also called: TFAP2A-related condition.

Allele frequency attached by ClinVar (database versions not stated): ExAC 0.00002; gnomAD 0.00003; TOPMed 0.00004; ESP Exome Variant Server 0.00008; gnomAD exomes 0.00011.
gnomAD v4.1: 172 of 1,614,088 alleles (0.011%); highest among the groups gnomAD compares: Non-Finnish European, 0.014%; no homozygotes.

Submissions (3):

Labcorp Genetics (formerly Invitae), Labcorp
Classification: Likely benign. Last evaluated: 2025-10-14. Review status: criteria provided, single submitter. Criteria: Invitae Variant Classification Sherloc (09022015). Collection method: clinical testing. Allele origin: germline.

Blueprint Genetics
Classification: Likely benign. Last evaluated: 2023-07-12. Review status: criteria provided, single submitter. Criteria: ACMG Guidelines, 2015. Collection method: clinical testing. Allele origin: germline.

PreventionGenetics, part of Exact Sciences
Classification: Likely benign for TFAP2A-related condition. Last evaluated: 2024-06-06. Review status: no assertion criteria provided. Collection method: clinical testing. Allele origin: germline. Not counted in ClinVar's aggregate classification.
Comment: This variant is classified as likely benign based on ACMG/AMP sequence variant interpretation guidelines (Richards et al. 2015 PMID: 25741868, with internal and published modifications).

NM_001372066.1(TFAP2A):c.1302G>A (p.Glu434=)

Gene: TFAP2A (transcription factor AP-2 alpha; minus strand). Cytogenetic location: 6p24.3.
Variant type: single nucleotide variant.
Coding change: c.1302G>A on transcript NM_001372066.1 (MANE Select); coding-DNA position 1302, G replaced by A.
Protein change: p.Glu434=; no amino-acid change (glutamic acid 434 retained).
Molecular consequence: synonymous variant.
Genome position (GRCh38, 1-based): chr6:10,398,435, C>T on the plus strand (G>A on the coding strand, the complement: TFAP2A is on the minus strand). VCF-style: chr6-10398435-C-T. GRCh37 (hg19) VCF-style: chr6-10398668-C-T.
Other names: NM_003220.2:c.1296G>A; c.1278G>A, p.Glu426= (NM_001032280.3); c.1284G>A, p.Glu428= (NM_001042425.3).
Identifiers: ClinVar variation 3041083 (VCV003041083.4), dbSNP rs374310228, ClinGen allele CA3631071.